The following is an entry in ClinVar:

ClinVar aggregate classification (germline): Pathogenic (1 of 4 stars; one submission).

Allele frequency attached by ClinVar (database versions not stated): TOPMed below 0.00001.

Submission:

Labcorp Genetics (formerly Invitae), Labcorp
Classification: Pathogenic. Last evaluated: 2022-03-14. Review status: criteria provided, single submitter. Criteria: Invitae Variant Classification Sherloc (09022015). Collection method: clinical testing. Allele origin: germline.
Comment: This sequence change creates a premature translational stop signal (p.Leu638Glnfs*32) in the CUL7 gene. It is expected to result in an absent or disrupted protein product. Loss-of-function variants in CUL7 are known to be pathogenic (PMID: 16142236, 17675530, 19225462). This variant is not present in population databases (gnomAD no frequency). This variant has not been reported in the literature in individuals affected with CUL7-related conditions. For these reasons, this variant has been classified as Pathogenic.

Literature cited by the submitters: PubMed 16142236; PubMed 17675530; PubMed 19225462.

NM_014780.5(CUL7):c.1913del (p.Leu638fs)

Gene: CUL7 (cullin 7; minus strand). Cytogenetic location: 6p21.1.
Variant type: Deletion.
Coding change: c.1913del on transcript NM_014780.5 (MANE Select); coding-DNA position 1913, one base deleted (T; older notation c.1913delT).
Protein change: p.Leu638fs; shifts the reading frame from leucine 638.
Molecular consequence: frameshift variant.
Genome position (GRCh38, 1-based): chr6:43,048,482, A deleted on the plus strand (T on the coding strand, the reverse complement: CUL7 is on the minus strand). VCF-style (leftmost placement, unchanged base first): chr6-43048481-TA-T. GRCh37 (hg19) VCF-style: chr6-43016219-TA-T.
Other names: c.2009del, p.Leu670fs (NM_001168370.2, NM_001374872.1); c.1913del, p.Leu638fs (NM_001374873.1, NM_001374874.1); short protein forms L638fs, L670fs.
Identifiers: ClinVar variation 2152013 (VCV002152013.4), dbSNP rs1430687188, ClinGen allele CA824872600.